The following is an entry in ClinVar:

ClinVar aggregate classification (germline): Benign (1 of 4 stars; one submission).

Allele frequency attached by ClinVar (database versions not stated): gnomAD 0.01836 and 0.01975; 1000 Genomes Project 0.01897; TOPMed 0.02013; 1000 Genomes Project 30x 0.02108.
gnomAD v4.1: 2,758 of 152,220 alleles (1.8%); highest among the groups gnomAD compares: African/African-American, 6.4%; 86 homozygotes.

Submission:

GeneDx
Classification: Benign. Last evaluated: 2018-06-14. Review status: criteria provided, single submitter. Criteria: GeneDx Variant Classification (06012015). Collection method: clinical testing. Allele origin: germline. Affected: yes.
Comment: This variant is considered likely benign or benign based on one or more of the following criteria: it is a conservative change, it occurs at a poorly conserved position in the protein, it is predicted to be benign by multiple in silico algorithms, and/or has population frequency not consistent with disease.

NM_001330078.2(NRXN1):c.772+1407C>G

Gene: NRXN1 (neurexin 1; minus strand). Cytogenetic location: 2p16.3.
Variant type: single nucleotide variant.
Coding change: c.772+1407C>G on transcript NM_001330078.2 (MANE Select); 1407 bases into the intron after coding-DNA position 772, C replaced by G.
Molecular consequence: intron variant.
Genome position (GRCh38, 1-based): chr2:51,026,095, G>C on the plus strand (C>G on the coding strand, the complement: NRXN1 is on the minus strand). VCF-style: chr2-51026095-G-C. GRCh37 (hg19) VCF-style: chr2-51253233-G-C.
Other names: c.772+1407C>G (NM_001330096.2, NM_001330087.2, NM_001330083.2 and 14 more transcripts); c.871+276C>G (NM_001135659.3).
Identifiers: ClinVar variation 671066 (VCV000671066.1), dbSNP rs79697415, ClinGen allele CA48054695.